The following is an entry in ClinVar:

ClinVar aggregate classification (germline): Uncertain significance (1 of 4 stars; one submission).

Submission:

Labcorp Genetics (formerly Invitae), Labcorp
Classification: Uncertain significance. Last evaluated: 2023-10-04. Review status: criteria provided, single submitter. Criteria: Invitae Variant Classification Sherloc (09022015). Collection method: clinical testing. Allele origin: germline.
Comment: This sequence change replaces glutamic acid, which is acidic and polar, with aspartic acid, which is acidic and polar, at codon 207 of the MTOR protein (p.Glu207Asp). This variant is not present in population databases (gnomAD no frequency). This variant has not been reported in the literature in individuals affected with MTOR-related conditions. Advanced modeling of protein sequence and biophysical properties (such as structural, functional, and spatial information, amino acid conservation, physicochemical variation, residue mobility, and thermodynamic stability) performed at Invitae indicates that this missense variant is not expected to disrupt MTOR protein function. In summary, the available evidence is currently insufficient to determine the role of this variant in disease. Therefore, it has been classified as a Variant of Uncertain Significance.

NM_004958.4(MTOR):c.621G>T (p.Glu207Asp)

Gene: MTOR (mechanistic target of rapamycin kinase; minus strand). Cytogenetic location: 1p36.22.
Variant type: single nucleotide variant.
Coding change: c.621G>T on transcript NM_004958.4 (MANE Select); coding-DNA position 621, G replaced by T.
Protein change: p.Glu207Asp; replaces glutamic acid 207 with aspartic acid.
Molecular consequence: missense variant. On other transcripts: 5 prime UTR variant (1).
Genome position (GRCh38, 1-based): chr1:11,256,076, C>A on the plus strand (G>T on the coding strand, the complement: MTOR is on the minus strand). VCF-style: chr1-11256076-C-A. GRCh37 (hg19) VCF-style: chr1-11316133-C-A.
Other names: c.621G>T, p.Glu207Asp (NM_001386500.1); c.-519G>T (NM_001386501.1); short protein forms E207D.
Identifiers: ClinVar variation 2765605 (VCV002765605.3), dbSNP rs1276292452, ClinGen allele CA338402922.
Genomic context (GRCh38, chr1:11,256,076, plus strand): 5'-CTCCTTCGGCTCACGCTGGGTTGTGAGAATCAGACAGGCACGAAGGGCGGCTACAGCTCC[C>A]TCACGGATGGCCTGTTTGGGGTCCCACACGGCCACAAAAATGTTGTCAAAGAAGGGTTGC-3'
Protein context (NP_004949.1, residues 197-217): AVWDPKQAIR[Glu207Asp]GAVAALRACL